The following is an entry in ClinVar:

NM_018926.3(PCDHGB6):c.1146C>T (p.Val382=)

Genes: PCDHG@ (protocadherin gamma cluster; plus strand), PCDHGA1 (protocadherin gamma subfamily A, 1; plus strand), PCDHGA2 (protocadherin gamma subfamily A, 2; plus strand), PCDHGA3 (protocadherin gamma subfamily A, 3; plus strand), PCDHGA4 (protocadherin gamma subfamily A, 4; plus strand) and 11 more. Cytogenetic location: 5q31.3.
Variant type: single nucleotide variant.
Coding change: c.1146C>T on transcript NM_018926.3 (MANE Select); coding-DNA position 1146, C replaced by T.
Protein change: p.Val382=; no amino-acid change (valine 382 retained).
Molecular consequence: synonymous variant. On other transcripts: intron variant (14).
Genome position (GRCh38, 1-based): chr5:141,409,348, C>T. VCF-style: chr5-141409348-C-T. GRCh37 (hg19) VCF-style: chr5-140788915-C-T.
Other names: c.1146C>T, p.Val382= (NM_001386906.1, NM_032100.1); c.2421+76243C>T (NM_018912.3); c.2424+67953C>T (NM_018915.4); c.2424+62891C>T (NM_018916.4); c.2409+56679C>T (NM_018922.3); c.2514+51727C>T (NM_018917.4); c.2421+46792C>T (NM_018923.3); c.2421+42597C>T (NM_018918.3); and 7 more.
Identifiers: ClinVar variation 2655857 (VCV002655857.24), dbSNP rs115471135, ClinGen allele CA3474564.
Genomic context (GRCh38, chr5:141,409,348, plus strand): 5'-AGGAATGGTTGTTGCCCTCTTCAAAACACGGGATCTGGATTTCGGAGGAAATGGAGAAGT[C>T]AGGTGTAATATAGAAACAGACATTCCATTCAAGATTTATTCTTCTTCCAATAACTACTAC-3'
Protein context (NP_061749.1, residues 372-392): RDLDFGGNGE[Val382=]RCNIETDIPF

ClinVar aggregate classification (germline): Likely benign (1 of 4 stars; one submission).

Allele frequency attached by ClinVar (database versions not stated): gnomAD exomes 0.00025; ExAC 0.00082; gnomAD 0.00248; ESP Exome Variant Server 0.00275; TOPMed 0.00284; 1000 Genomes Project 0.00439; 1000 Genomes Project 30x 0.00484.
gnomAD v4.1: 755 of 1,614,018 alleles (0.047%); highest among the groups gnomAD compares: African/African-American, 0.83%; 4 homozygotes.

Submission:

CeGaT Center for Human Genetics Tuebingen
Classification: Likely benign. Last evaluated: 2022-05-01. Review status: criteria provided, single submitter. Criteria: CeGaT Center For Human Genetics Tuebingen Variant Classification Criteria Version 2. Collection method: clinical testing. Allele origin: germline. Affected: yes. Observed: 1 variant allele.
Comment: PCDHGB6: BP4, BP7